The following is an entry in ClinVar:

ClinVar aggregate classification (germline): Uncertain significance (1 of 4 stars; one submission).

Conditions:
Neuroblastoma, susceptibility to, 3. Also called: ALK-Related Neuroblastic Tumor Susceptibility. Identifiers: Orphanet 635, MedGen C2751681, MONDO:0013083, OMIM 613014.

Allele frequency attached by ClinVar (database versions not stated): gnomAD exomes below 0.00001.
gnomAD v4.1: 1 of 1,614,186 alleles (0.000062%); highest among the groups gnomAD compares: South Asian, 0.0011%; no homozygotes.

Submission:

Labcorp Genetics (formerly Invitae), Labcorp
Classification: Uncertain significance for Neuroblastoma, susceptibility to, 3. Last evaluated: 2023-09-10. Review status: criteria provided, single submitter. Criteria: Invitae Variant Classification Sherloc (09022015). Collection method: clinical testing. Allele origin: germline.
Comment: This sequence change replaces glutamine, which is neutral and polar, with proline, which is neutral and non-polar, at codon 463 of the ALK protein (p.Gln463Pro). This variant is present in population databases (no rsID available, gnomAD 0.003%). This variant has not been reported in the literature in individuals affected with ALK-related conditions. An algorithm developed to predict the effect of missense changes on protein structure and function (PolyPhen-2) suggests that this variant is likely to be tolerated. In summary, the available evidence is currently insufficient to determine the role of this variant in disease. Therefore, it has been classified as a Variant of Uncertain Significance.

NM_004304.5(ALK):c.1388A>C (p.Gln463Pro)

Gene: ALK (ALK receptor tyrosine kinase; minus strand). Cytogenetic location: 2p23.2.
Variant type: single nucleotide variant.
Coding change: c.1388A>C on transcript NM_004304.5 (MANE Select); coding-DNA position 1388, A replaced by C.
Protein change: p.Gln463Pro; replaces glutamine 463 with proline.
Molecular consequence: missense variant.
Genome position (GRCh38, 1-based): chr2:29,328,376, T>G on the plus strand (A>C on the coding strand, the complement: ALK is on the minus strand). VCF-style: chr2-29328376-T-G. GRCh37 (hg19) VCF-style: chr2-29551242-T-G.
Other names: short protein forms Q463P.
Identifiers: ClinVar variation 2759806 (VCV002759806.3), dbSNP rs1410138765, ClinGen allele CA346474141.